The following is an entry in ClinVar:

ClinVar aggregate classification (germline): Uncertain significance (1 of 4 stars; one submission).

Conditions:
Hereditary cancer-predisposing syndrome. Also called: Neoplastic Syndromes, Hereditary; Tumor predisposition; Hereditary neoplastic syndrome; Hereditary Cancer Syndrome. Identifiers: Orphanet 140162, MedGen C0027672, MeSH D009386, MONDO:0015356.

Submission:

Ambry Genetics
Classification: Uncertain significance for Hereditary cancer-predisposing syndrome. Last evaluated: 2026-08-21. Review status: criteria provided, single submitter. Criteria: Ambry Variant Classification Scheme 2023. Collection method: clinical testing. Allele origin: germline.
Comment: The p.V15G variant (also known as c.44T>G), located in coding exon 1 of the FH gene, results from a T to G substitution at nucleotide position 44. The valine at codon 15 is replaced by glycine, an amino acid with dissimilar properties. This amino acid position is conserved. In addition, this alteration is predicted to be tolerated by in silico analysis. Based on the available evidence, the clinical significance of this variant remains unclear.

NM_000143.4(FH):c.44T>G (p.Val15Gly)

Gene: FH (fumarate hydratase; minus strand). Cytogenetic location: 1q43.
Variant type: single nucleotide variant.
Coding change: c.44T>G on transcript NM_000143.4 (MANE Select); coding-DNA position 44, T replaced by G.
Protein change: p.Val15Gly; replaces valine 15 with glycine.
Molecular consequence: missense variant.
Genome position (GRCh38, 1-based): chr1:241,519,679, A>C on the plus strand (T>G on the coding strand, the complement: FH is on the minus strand). VCF-style: chr1-241519679-A-C. GRCh37 (hg19) VCF-style: chr1-241682979-A-C.
Other names: short protein forms V15G.
Identifiers: ClinVar variation 5021787 (VCV005021787.1).